The following is an entry in ClinVar:

ClinVar aggregate classification (germline): Uncertain significance (1 of 4 stars; one submission).

Conditions:
Charcot-Marie-Tooth disease type 2. Also called: Charcot-Marie-Tooth type 2. Identifiers: Orphanet 64746, MedGen C0270914, MONDO:0018993.

Submission:

Labcorp Genetics (formerly Invitae), Labcorp
Classification: Uncertain significance for Charcot-Marie-Tooth disease type 2. Last evaluated: 2025-02-04. Review status: criteria provided, single submitter. Criteria: Invitae Variant Classification Sherloc (09022015). Collection method: clinical testing. Allele origin: germline.
Comment: This sequence change affects an acceptor splice site in intron 2 of the MED25 gene. It is expected to disrupt RNA splicing. Variants that disrupt the donor or acceptor splice site typically lead to a loss of protein function (PMID: 16199547), however the current clinical and genetic evidence is not sufficient to establish whether loss-of-function variants in MED25 cause disease. This variant is not present in population databases (gnomAD no frequency). This variant has not been reported in the literature in individuals affected with MED25-related conditions. Experimental studies and prediction algorithms are not available or were not evaluated, and the functional significance of this variant is currently unknown. Algorithms developed to predict the effect of sequence changes on RNA splicing suggest that this variant may disrupt the consensus splice site. In summary, the available evidence is currently insufficient to determine the role of this variant in disease. Therefore, it has been classified as a Variant of Uncertain Significance.

Literature cited by the submitters: PubMed 16199547.

NM_030973.4(MED25):c.181-1G>C

Gene: MED25 (mediator complex subunit 25; plus strand). Cytogenetic location: 19q13.33.
Variant type: single nucleotide variant.
Coding change: c.181-1G>C on transcript NM_030973.4 (MANE Select); the canonical splice acceptor site of the intron before coding-DNA position 181, G replaced by C.
Molecular consequence: splice acceptor variant.
Genome position (GRCh38, 1-based): chr19:49,819,171, G>C. VCF-style: chr19-49819171-G-C. GRCh37 (hg19) VCF-style: chr19-50322428-G-C.
Other names: c.181-1G>C (NM_001378355.1).
Identifiers: ClinVar variation 4712272 (VCV004712272.1).